The following is an entry in ClinVar:

NM_015450.3(POT1):c.1506-2A>G

Gene: POT1 (protection of telomeres 1; minus strand). Cytogenetic location: 7q31.33.
Variant type: single nucleotide variant.
Coding change: c.1506-2A>G on transcript NM_015450.3 (MANE Select); the canonical splice acceptor site of the intron before coding-DNA position 1506, A replaced by G.
Molecular consequence: splice acceptor variant.
Genome position (GRCh38, 1-based): chr7:124,829,344, T>C on the plus strand (A>G on the coding strand, the complement: POT1 is on the minus strand). VCF-style: chr7-124829344-T-C. GRCh37 (hg19) VCF-style: chr7-124469398-T-C.
Other names: c.1113-2A>G (NM_001042594.2).
Identifiers: ClinVar variation 4842624 (VCV004842624.1).

ClinVar aggregate classification (germline): Likely pathogenic (1 of 4 stars; one submission).

Conditions:
Hereditary cancer-predisposing syndrome. Also called: Neoplastic Syndromes, Hereditary; Tumor predisposition; Hereditary Cancer Syndrome; Hereditary neoplastic syndrome. Identifiers: Orphanet 140162, MedGen C0027672, MeSH D009386, MONDO:0015356.

Submission:

Ambry Genetics
Classification: Likely pathogenic for Hereditary cancer-predisposing syndrome. Last evaluated: 2025-12-22. Review status: criteria provided, single submitter. Criteria: Ambry Variant Classification Scheme 2023. Collection method: clinical testing. Allele origin: germline.
Comment: The c.1506-2A>G intronic variant results from an A to G substitution two nucleotides upstream from coding exon 12 in the POT1 gene. This variant is considered to be rare based on population cohorts in the Genome Aggregation Database (gnomAD). This nucleotide position is highly conserved in available vertebrate species. In silico splice site analysis predicts that this alteration will weaken the native splice acceptor site; however, direct evidence is insufficient at this time (Ambry internal data). Alterations that disrupt the canonical splice site are expected to cause aberrant splicing, resulting in an abnormal protein or a transcript that is subject to nonsense-mediated mRNA decay. As such, this alteration is classified as likely pathogenic.